The following is an entry in ClinVar:

NC_000007.14:g.(?_16216046)_(16376261_?)del

Genes: CRPPA (CDP-L-ribitol pyrophosphorylase A; minus strand), CRPPA-AS1 (CRPPA antisense RNA 1; plus strand), LOC129389758 (MPRA-validated peak6411 silencer; plus strand). Cytogenetic location: 7p21.2.
Variant type: Deletion.
Identifiers: ClinVar variation 583458 (VCV000583458.9).

ClinVar aggregate classification (germline): Pathogenic (1 of 4 stars; one submission).

Conditions:
Autosomal recessive limb-girdle muscular dystrophy type 2U. Also called: MUSCULAR DYSTROPHY, LIMB-GIRDLE, TYPE 2U; Muscular dystrophy-dystroglycanopathy (limb-girdle), type c, 7. Identifiers: Orphanet 352479, MedGen C5190987, MONDO:0014474, OMIM 616052.
Muscular dystrophy-dystroglycanopathy (congenital with brain and eye anomalies), type A, 7. Also called: WALKER-WARBURG SYNDROME OR MUSCLE-EYE-BRAIN DISEASE, ISPD-RELATED; Congenital muscular dystrophy-dystroglycanopathy with brain and eye anomalies, type A7. Identifiers: Orphanet 899, MedGen C3553330, MONDO:0013835, OMIM 614643.

Submission:

Labcorp Genetics (formerly Invitae), Labcorp
Classification: Pathogenic for Muscular dystrophy-dystroglycanopathy (congenital with brain and eye anomalies), type A, 7; Autosomal recessive limb-girdle muscular dystrophy type 2U. Last evaluated: 2021-08-08. Review status: criteria provided, single submitter. Criteria: Invitae Variant Classification Sherloc (09022015). Collection method: clinical testing. Allele origin: germline.
Comment: For these reasons, this variant has been classified as Pathogenic. Sub-genic deletion of exon 3 has been determined to be¬†causative of disease¬†(PMID:¬†22522420). Therefore, deletions that fully encompass that region are also expected to be¬†causative of disease. This variant has not been reported in the literature in individuals with ISPD-related disease. This variant is an in-frame deletion of the genomic region encompassing exons 3-9 of the ISPD gene. It preserves the integrity of the reading frame.